The following is an entry in ClinVar:

ClinVar aggregate classification (germline): Likely benign. Review status: criteria provided, multiple submitters, no conflicts (2 of 4 stars). 3 submissions from 3 submitters: Likely benign (3). Last evaluated 2025-06-01.

Allele frequency attached by ClinVar (database versions not stated): gnomAD 0.00008 and 0.00015; TOPMed 0.00010; 1000 Genomes Project 30x 0.00016; 1000 Genomes Project 0.00020; ESP Exome Variant Server 0.00023; gnomAD exomes 0.00032; ExAC 0.00035.

Submissions (3):

CeGaT Center for Human Genetics Tuebingen
Classification: Likely benign. Last evaluated: 2025-06-01. Review status: criteria provided, single submitter. Criteria: CeGaT Center For Human Genetics Tuebingen Variant Classification Criteria Version 2. Collection method: clinical testing. Allele origin: germline. Affected: yes. Observed: 1 variant allele.
Comment: SLC4A1: BP4, BS2

Breakthrough Genomics
Classification: Likely benign. Review status: criteria provided, single submitter. Criteria: ACMG Guidelines, 2015. Collection method: not provided. Allele origin: germline. Inheritance: Autosomal recessive inheritance. Affected: yes.

PreventionGenetics, part of Exact Sciences
Classification: Likely benign. Review status: criteria provided, single submitter. Criteria: ACMG Guidelines, 2015. Collection method: clinical testing. Allele origin: germline.

NM_000342.4(SLC4A1):c.-3G>A

Gene: SLC4A1 (solute carrier family 4 member 1 (Diego blood group); minus strand). Cytogenetic location: 17q21.31.
Variant type: single nucleotide variant.
Coding change: c.-3G>A on transcript NM_000342.4 (MANE Select); 3 bases upstream of the start codon, G replaced by A.
Molecular consequence: 5 prime UTR variant.
Genome position (GRCh38, 1-based): chr17:44,262,869, C>T on the plus strand (G>A on the coding strand, the complement: SLC4A1 is on the minus strand). VCF-style: chr17-44262869-C-T. GRCh37 (hg19) VCF-style: chr17-42340237-C-T.
Identifiers: ClinVar variation 255902 (VCV000255902.13), dbSNP rs372104017, ClinGen allele CA8600776.
Genomic context (GRCh38, chr17:44,262,869, plus strand): 5'-GAGCCTCCAGGTGGGAGCACTGCTGATGCCAGGGAACACCCACCTGCAGCTCCTCCATGG[C>T]GTGGTCCTGAGTGTCCAGTTGTCTACGGTGATCTGAGCCCCCAGCATAACCCGCACCGCG-3'